The following is an entry in ClinVar:

ClinVar aggregate classification (germline): Likely pathogenic. Review status: criteria provided, multiple submitters, no conflicts (2 of 4 stars). 2 submissions from 2 submitters: Likely pathogenic (2). Last evaluated 2025-07-30.

Conditions:
Emery-Dreifuss muscular dystrophy 4, autosomal dominant (EDMD4). Also called: EMERY-DREIFUSS MUSCULAR DYSTROPHY 4 WITH VARIABLE FEATURES. Identifiers: Orphanet 261, MedGen C2751807, MONDO:0013071, OMIM 612998.
Autosomal recessive ataxia, Beauce type. Also called: Spinocerebellar ataxia, autosomal recessive 8; ATAXIA, RECESSIVE, OF BEAUCE; SYNE1-Related Autosomal Recessive Cerebellar Ataxia; SYNE1 Deficiency. Identifiers: Orphanet 88644, MedGen C1853116, MONDO:0012549, OMIM 610743.

Allele frequency attached by ClinVar (database versions not stated): gnomAD exomes 0.00001.
gnomAD v4.1: 3 of 1,614,154 alleles (0.00019%); highest among the groups gnomAD compares: East Asian, 0.0022%; no homozygotes.

Submissions (2):

Labcorp Genetics (formerly Invitae), Labcorp
Classification: Likely pathogenic for Emery-Dreifuss muscular dystrophy 4, autosomal dominant; Autosomal recessive ataxia, Beauce type. Last evaluated: 2025-07-30. Review status: criteria provided, single submitter. Criteria: Invitae Variant Classification Sherloc (09022015). Collection method: clinical testing. Allele origin: germline.
Comment: This sequence change affects a donor splice site in intron 102 of the SYNE1 gene. It is expected to disrupt RNA splicing. Variants that disrupt the donor or acceptor splice site typically lead to a loss of protein function (PMID: 16199547), and loss-of-function variants in SYNE1 are known to be pathogenic (PMID: 19542096, 24319099, 27086870). This variant is not present in population databases (gnomAD no frequency). This variant has not been reported in the literature in individuals affected with SYNE1-related conditions. ClinVar contains an entry for this variant (Variation ID: 650466). Algorithms developed to predict the effect of sequence changes on RNA splicing suggest that this variant may disrupt the consensus splice site. In summary, the currently available evidence indicates that the variant is pathogenic, but additional data are needed to prove that conclusively. Therefore, this variant has been classified as Likely Pathogenic.

Baylor Genetics
Classification: Likely pathogenic for Emery-Dreifuss muscular dystrophy 4, autosomal dominant. Last evaluated: 2020-02-19. Review status: criteria provided, single submitter. Criteria: ACMG Guidelines, 2015. Collection method: clinical testing. Allele origin: unknown. Affected: yes.
Comment: This variant was determined to be likely pathogenic according to ACMG Guidelines, 2015 [PMID:25741868].

Literature cited by the submitters: PubMed 16199547 (cited by Labcorp Genetics (formerly Invitae), Labcorp); PubMed 19542096 (cited by Labcorp Genetics (formerly Invitae), Labcorp); PubMed 24319099 (cited by Labcorp Genetics (formerly Invitae), Labcorp); PubMed 27086870 (cited by Labcorp Genetics (formerly Invitae), Labcorp).

NM_182961.4(SYNE1):c.19260+2T>C

Gene: SYNE1 (spectrin repeat containing nuclear envelope protein 1; minus strand). Cytogenetic location: 6q25.2.
Variant type: single nucleotide variant.
Coding change: c.19260+2T>C on transcript NM_182961.4 (MANE Select); the canonical splice donor site of the intron after coding-DNA position 19260, T replaced by C.
Molecular consequence: splice donor variant.
Genome position (GRCh38, 1-based): chr6:152,255,589, A>G on the plus strand (T>C on the coding strand, the complement: SYNE1 is on the minus strand). VCF-style: chr6-152255589-A-G. GRCh37 (hg19) VCF-style: chr6-152576724-A-G.
Other names: c.19047+2T>C (NM_033071.5).
Identifiers: ClinVar variation 650466 (VCV000650466.8), dbSNP rs1588855714, ClinGen allele CA366136711.